The following is an entry in ClinVar:

ClinVar aggregate classification (germline): Uncertain significance. Review status: criteria provided, multiple submitters, no conflicts (2 of 4 stars). 2 submissions from 2 submitters: Uncertain significance (2). Last evaluated 2026-04-24.

Submissions (2):

Ambry Genetics
Classification: Uncertain significance. Last evaluated: 2026-04-24. Review status: criteria provided, single submitter. Criteria: Ambry Variant Classification Scheme 2023. Collection method: clinical testing. Allele origin: germline.
Comment: The p.E102A variant (also known as c.305A>C), located in coding exon 3 of the SRP72 gene, results from an A to C substitution at nucleotide position 305. The glutamic acid at codon 102 is replaced by alanine, an amino acid with dissimilar properties. This amino acid position is conserved. In addition, the in silico prediction for this alteration is inconclusive. Based on the available evidence, the clinical significance of this variant remains unclear.

Labcorp Genetics (formerly Invitae), Labcorp
Classification: Uncertain significance. Last evaluated: 2023-03-24. Review status: criteria provided, single submitter. Criteria: Invitae Variant Classification Sherloc (09022015). Collection method: clinical testing. Allele origin: germline.
Comment: This variant has not been reported in the literature in individuals affected with SRP72-related conditions. This variant is not present in population databases (gnomAD no frequency). This sequence change replaces glutamic acid, which is acidic and polar, with alanine, which is neutral and non-polar, at codon 102 of the SRP72 protein (p.Glu102Ala). Advanced modeling of protein sequence and biophysical properties (such as structural, functional, and spatial information, amino acid conservation, physicochemical variation, residue mobility, and thermodynamic stability) performed at Invitae indicates that this missense variant is not expected to disrupt SRP72 protein function. In summary, the available evidence is currently insufficient to determine the role of this variant in disease. Therefore, it has been classified as a Variant of Uncertain Significance.

NM_006947.4(SRP72):c.305A>C (p.Glu102Ala)

Gene: SRP72 (signal recognition particle 72; plus strand). Cytogenetic location: 4q12.
Variant type: single nucleotide variant.
Coding change: c.305A>C on transcript NM_006947.4 (MANE Select); coding-DNA position 305, A replaced by C.
Protein change: p.Glu102Ala; replaces glutamic acid 102 with alanine.
Molecular consequence: missense variant. On other transcripts: non-coding transcript variant (1).
Genome position (GRCh38, 1-based): chr4:56,471,794, A>C. VCF-style: chr4-56471794-A-C. GRCh37 (hg19) VCF-style: chr4-57337960-A-C.
Other names: c.305A>C, p.Glu102Ala (NM_001267722.2); c.305A>C (NM_006947.3); short protein forms E102A.
Identifiers: ClinVar variation 2849106 (VCV002849106.4), dbSNP rs759013770, ClinGen allele CA356996176.